The following is an entry in ClinVar:

NM_144670.6(A2ML1):c.511T>C (p.Trp171Arg)

Gene: A2ML1 (alpha-2-macroglobulin like 1; plus strand). Cytogenetic location: 12p13.31.
Variant type: single nucleotide variant.
Coding change: c.511T>C on transcript NM_144670.6 (MANE Select); coding-DNA position 511, T replaced by C.
Protein change: p.Trp171Arg; replaces tryptophan 171 with arginine.
Molecular consequence: missense variant.
Genome position (GRCh38, 1-based): chr12:8,835,534, T>C. VCF-style: chr12-8835534-T-C. GRCh37 (hg19) VCF-style: chr12-8988130-T-C.
Other names: short protein forms W171R.
Identifiers: ClinVar variation 3229217 (VCV003229217.1), dbSNP rs1943242978, ClinGen allele CA383821297.
Genomic context (GRCh38, chr12:8,835,534, plus strand): 5'-GCAGGCACATCATGCAGTTTCTCTATTGGACAGGATCCAAATAGCAACAGGATTGCACAG[T>C]GGCTGGAAGTGGTACCTGAGCAAGGCATTGTAGACCTGTCCTTCCAACTGGCACCAGAGG-3'
Protein context (NP_653271.3, residues 161-181): QDPNSNRIAQ[Trp171Arg]LEVVPEQGIV

ClinVar aggregate classification (germline): Uncertain significance (1 of 4 stars; one submission).

Allele frequency attached by ClinVar (database versions not stated): gnomAD exomes below 0.00001; TOPMed below 0.00001.
gnomAD v4.1: 2 of 1,614,164 alleles (0.00012%); highest among the groups gnomAD compares: Non-Finnish European, 0.00017%; no homozygotes.

Submission:

Ambry Genetics
Classification: Uncertain significance. Last evaluated: 2023-11-26. Review status: criteria provided, single submitter. Criteria: Ambry Variant Classification Scheme 2023. Collection method: clinical testing. Allele origin: germline.
Comment: The p.W171R variant (also known as c.511T>C), located in coding exon 6 of the A2ML1 gene, results from a T to C substitution at nucleotide position 511. The tryptophan at codon 171 is replaced by arginine, an amino acid with dissimilar properties. This amino acid position is conserved. In addition, the in silico prediction for this alteration is inconclusive. Since supporting evidence is limited at this time, the clinical significance of this alteration remains unclear.